The following is an entry in ClinVar:

ClinVar aggregate classification (germline): Uncertain significance (1 of 4 stars; one submission).

Conditions:
Holoprosencephaly 13, X-linked. Identifiers: MedGen C5393308, MONDO:0026763, OMIM 301043.

Submission:

MVZ Medizinische Genetik Mainz
Classification: Uncertain significance for Holoprosencephaly 13, X-linked. Last evaluated: 2026-07-24. Review status: criteria provided, single submitter. Criteria: UK Practice Guidelines For Variant Classification V4 01 2020. Collection method: clinical testing. Allele origin: germline. Inheritance: Autosomal dominant inheritance. Affected: yes. Observed: 1 variant allele.
Comment: ACMG Criteria: PM2_SUP,PP3

NM_001042750.2(STAG2):c.3053+5G>T

Gene: STAG2 (STAG2 cohesin complex component; plus strand). Cytogenetic location: Xq25.
Variant type: single nucleotide variant.
Coding change: c.3053+5G>T on transcript NM_001042750.2 (MANE Select); 5 bases into the intron after coding-DNA position 3053, G replaced by T.
Molecular consequence: intron variant.
Genome position (GRCh38, 1-based): chrX:124,083,554, G>T. VCF-style: chrX-124083554-G-T. GRCh37 (hg19) VCF-style: chrX-123217404-G-T.
Other names: c.3053+5G>T (NM_001042749.2, NM_001441077.1, NM_001375366.1 and 23 more transcripts).
Identifiers: ClinVar variation 4887034 (VCV004887034.1).